The following is an entry in ClinVar:

NM_001136035.4(TRMT1):c.506G>C (p.Arg169Pro)

Gene: TRMT1 (tRNA methyltransferase 1; minus strand). Cytogenetic location: 19p13.13.
Variant type: single nucleotide variant.
Coding change: c.506G>C on transcript NM_001136035.4 (MANE Select); coding-DNA position 506, G replaced by C.
Protein change: p.Arg169Pro; replaces arginine 169 with proline.
Molecular consequence: missense variant. On other transcripts: 5 prime UTR variant (1).
Genome position (GRCh38, 1-based): chr19:13,115,414, C>G on the plus strand (G>C on the coding strand, the complement: TRMT1 is on the minus strand). VCF-style: chr19-13115414-C-G. GRCh37 (hg19) VCF-style: chr19-13226228-C-G.
Other names: c.506G>C, p.Arg169Pro (NM_001142554.3, NM_001351760.2, NM_017722.5); c.398G>C, p.Arg133Pro (NM_001351761.2); c.-265G>C (NM_001351762.2); short protein forms R133P, R169P.
Identifiers: ClinVar variation 1303663 (VCV001303663.2), dbSNP rs985143890, ClinGen allele CA305531896.
Genomic context (GRCh38, chr19:13,115,414, plus strand): 5'-GCCCGGGTGGAGGCATCGTTTGCAACCACAGATCTGAGCCCAGGCACCTCTAGGGCAAAT[C>G]GAATGGAACGTAGGCCTGAAGCTGCCAGGCCTTCCAGCACATGCAGGCCTTCCTGTTGGA-3'
Protein context (NP_001129507.1, residues 159-179): GLAASGLRSI[Arg169Pro]FALEVPGLRS

ClinVar aggregate classification (germline): Uncertain significance (1 of 4 stars; one submission).

Allele frequency attached by ClinVar (database versions not stated): TOPMed 0.00001.
gnomAD v4.1: 1 of 1,614,022 alleles (0.000062%); highest among the groups gnomAD compares: Non-Finnish European, 0.000085%; no homozygotes.

Submission:

GeneDx
Classification: Uncertain significance. Last evaluated: 2020-02-05. Review status: criteria provided, single submitter. Criteria: GeneDx Variant Classification Process June 2021. Collection method: clinical testing. Allele origin: germline. Affected: yes.
Comment: Not observed in large population cohorts (Lek et al., 2016); In silico analysis supports that this missense variant has a deleterious effect on protein structure/function; Has not been previously published as pathogenic or benign to our knowledge